The following is an entry in ClinVar:

NM_002103.5(GYS1):c.1057C>T (p.Leu353Phe)

Gene: GYS1 (glycogen synthase 1; minus strand). Cytogenetic location: 19q13.33.
Variant type: single nucleotide variant.
Coding change: c.1057C>T on transcript NM_002103.5 (MANE Select); coding-DNA position 1057, C replaced by T.
Protein change: p.Leu353Phe; replaces leucine 353 with phenylalanine.
Molecular consequence: missense variant. On other transcripts: non-coding transcript variant (1).
Genome position (GRCh38, 1-based): chr19:48,982,260, G>A on the plus strand (C>T on the coding strand, the complement: GYS1 is on the minus strand). VCF-style: chr19-48982260-G-A. GRCh37 (hg19) VCF-style: chr19-49485517-G-A.
Other names: p.Leu353Phe; c.865C>T, p.Leu289Phe (NM_001161587.2); short protein forms L289F, L353F.
Identifiers: ClinVar variation 1518303 (VCV001518303.9), dbSNP rs761016746, ClinGen allele CA406763259.

ClinVar aggregate classification (germline): Uncertain significance. Review status: criteria provided, multiple submitters, no conflicts (2 of 4 stars). 2 submissions from 2 submitters: Uncertain significance (2). Last evaluated 2025-08-01.

Conditions:
Glycogen storage disease due to muscle and heart glycogen synthase deficiency. Also called: GSD 0b; MUSCLE GLYCOGEN SYNTHASE DEFICIENCY. Identifiers: Orphanet 137625, MedGen C1969054, MONDO:0012693, OMIM 611556.

Allele frequency attached by ClinVar (database versions not stated): gnomAD 0.00003; TOPMed 0.00003.
gnomAD v4.1: 9 of 1,613,670 alleles (0.00056%); highest among the groups gnomAD compares: African/African-American, 0.011%; no homozygotes.

Submissions (2):

Mayo Clinic Laboratories, Mayo Clinic
Classification: Uncertain significance. Last evaluated: 2025-08-01. Review status: criteria provided, single submitter. Criteria: ACMG Guidelines, 2015. Collection method: clinical testing. Allele origin: germline. Observed: 1 variant allele.
Comment: PP3, PM2_supporting

Labcorp Genetics (formerly Invitae), Labcorp
Classification: Uncertain significance for Glycogen storage disease due to muscle and heart glycogen synthase deficiency. Last evaluated: 2022-07-02. Review status: criteria provided, single submitter. Criteria: Invitae Variant Classification Sherloc (09022015). Collection method: clinical testing. Allele origin: germline.
Comment: In summary, the available evidence is currently insufficient to determine the role of this variant in disease. Therefore, it has been classified as a Variant of Uncertain Significance. Algorithms developed to predict the effect of missense changes on protein structure and function are either unavailable or do not agree on the potential impact of this missense change (SIFT: "Deleterious"; PolyPhen-2: "Probably Damaging"; Align-GVGD: "Class C0"). ClinVar contains an entry for this variant (Variation ID: 1518303). This variant has not been reported in the literature in individuals affected with GYS1-related conditions. This variant is present in population databases (no rsID available, gnomAD 0.02%). This sequence change replaces leucine, which is neutral and non-polar, with phenylalanine, which is neutral and non-polar, at codon 353 of the GYS1 protein (p.Leu353Phe).